The following is an entry in ClinVar:

NM_000059.4(BRCA2):c.2878A>G (p.Lys960Glu)

Gene: BRCA2 (BRCA2 DNA repair associated; plus strand). Cytogenetic location: 13q13.1.
Variant type: single nucleotide variant.
Coding change: c.2878A>G on transcript NM_000059.4 (MANE Select); coding-DNA position 2878, A replaced by G.
Protein change: p.Lys960Glu; replaces lysine 960 with glutamic acid.
Molecular consequence: missense variant.
Genome position (GRCh38, 1-based): chr13:32,337,233, A>G. VCF-style: chr13-32337233-A-G. GRCh37 (hg19) VCF-style: chr13-32911370-A-G.
Other names: short protein forms K960E.
Identifiers: ClinVar variation 231625 (VCV000231625.27), dbSNP rs876659267, ClinGen allele CA10579554.

ClinVar aggregate classification (germline): Conflicting classifications of pathogenicity. Review status: criteria provided, conflicting classifications (1 of 4 stars). 9 submissions from 9 submitters: Uncertain significance (7); Likely benign (2). Last evaluated 2025-11-20.

Conditions:
Hereditary cancer-predisposing syndrome. Also called: Hereditary Cancer Syndrome; Neoplastic Syndromes, Hereditary; Tumor predisposition; Hereditary neoplastic syndrome. Identifiers: Orphanet 140162, MedGen C0027672, MeSH D009386, MONDO:0015356.
Breast-ovarian cancer, familial, susceptibility to, 2 (BROVCA2). Also called: BRCA2 Hereditary Breast and Ovarian Cancer. Identifiers: Orphanet 145, MedGen C2675520, MONDO:0012933, OMIM 612555. Disease mechanism: loss of function.
Hereditary breast ovarian cancer syndrome. Also called: Hereditary breast and/or ovarian cancer syndrome; BRCA1- and BRCA2-Associated Hereditary Breast and Ovarian Cancer; Hereditary breast and ovarian cancer syndrome (HBOC); Hereditary breast and ovarian cancer; Hereditary breast and ovarian cancer syndrome; Breast and ovarian cancer. Identifiers: Orphanet 145, MedGen C0677776, MeSH D061325, MONDO:0003582. Disease mechanism: loss of function.

Allele frequency attached by ClinVar (database versions not stated): gnomAD 0.00001; TOPMed 0.00001.
gnomAD v4.1: 1 of 1,612,316 alleles (0.000062%); highest among the groups gnomAD compares: African/African-American, 0.0013%; no homozygotes.

Submissions (9):

Labcorp Genetics (formerly Invitae), Labcorp
Classification: Uncertain significance for Hereditary breast ovarian cancer syndrome. Last evaluated: 2025-11-20. Review status: criteria provided, single submitter. Criteria: Invitae Variant Classification Sherloc (09022015). Collection method: clinical testing. Allele origin: germline.
Comment: This sequence change replaces lysine, which is basic and polar, with glutamic acid, which is acidic and polar, at codon 960 of the BRCA2 protein (p.Lys960Glu). This variant is not present in population databases (gnomAD no frequency). This variant has not been reported in the literature in individuals affected with BRCA2-related conditions. ClinVar contains an entry for this variant (Variation ID: 231625). Invitae Evidence Modeling of protein sequence and biophysical properties (such as structural, functional, and spatial information, amino acid conservation, physicochemical variation, residue mobility, and thermodynamic stability) indicates that this missense variant is not expected to disrupt BRCA2 protein function with a negative predictive value of 95%. In summary, the available evidence is currently insufficient to determine the role of this variant in disease. Therefore, it has been classified as a Variant of Uncertain Significance.

Ambry Genetics
Classification: Uncertain significance for Hereditary cancer-predisposing syndrome. Last evaluated: 2024-04-19. Review status: criteria provided, single submitter. Criteria: Ambry Variant Classification Scheme 2023. Collection method: clinical testing. Allele origin: germline.
Comment: The p.K960E variant (also known as c.2878A>G and 3106A>G), located in coding exon 10 of the BRCA2 gene, results from an A to G substitution at nucleotide position 2878. The lysine at codon 960 is replaced by glutamic acid, an amino acid with similar properties. This amino acid position is not well conserved in available vertebrate species. In addition, this alteration is predicted to be tolerated by in silico analysis. Since supporting evidence is limited at this time, the clinical significance of this alteration remains unclear.

GeneDx
Classification: Uncertain significance. Last evaluated: 2023-12-21. Review status: criteria provided, single submitter. Criteria: GeneDx Variant Classification Process June 2021. Collection method: clinical testing. Allele origin: germline. Affected: yes.
Comment: Identified in individuals referred for multi-gene panel testing with personal or family history of cancer (PMID: 31853058); Not observed at significant frequency in large population cohorts (gnomAD); In silico analysis supports that this missense variant does not alter protein structure/function; Also known as 3106A>G; This variant is associated with the following publications: (PMID: 32377563, 31853058, 29884841)

Myriad Genetics, Inc.
Classification: Likely benign for Breast-ovarian cancer, familial, susceptibility to, 2. Last evaluated: 2023-12-19. Review status: criteria provided, single submitter. Criteria: Myriad Autosomal Dominant, Autosomal Recessive and X-Linked Classification Criteria (2023). Collection method: clinical testing. Allele origin: unknown.
Comment: This variant is considered likely benign. This variant is strongly associated with less severe personal and family histories of cancer, typical for individuals without pathogenic variants in this gene [PMID: 25085752].

All of Us Research Program, National Institutes of Health
Classification: Uncertain significance for Breast-ovarian cancer, familial, susceptibility to, 2. Last evaluated: 2023-12-18. Review status: criteria provided, single submitter. Criteria: ACMG Guidelines, 2015. Collection method: clinical testing. Allele origin: germline. Inheritance: Autosomal dominant inheritance. Observed: 2 variant alleles, 2 heterozygotes.
Comment: This missense variant replaces lysine with glutamic acid at codon 960 of the BRCA2 protein. Computational prediction suggests that this variant may not impact protein structure and function (internally defined REVEL score threshold <= 0.5, PMID: 27666373). To our knowledge, functional studies have not been reported for this variant. This variant has not been reported in individuals affected with BRCA2-related disorders in the literature. This variant has not been identified in the general population by the Genome Aggregation Database (gnomAD). The available evidence is insufficient to determine the role of this variant in disease conclusively. Therefore, this variant is classified as a Variant of Uncertain Significance.

This study involves interpretation of variants in research participants for the purpose of population health screening. Participant phenotype was not available at the time of variant classification. Additional details can be found in publication PMID: 35346344, PMCID: PMC8962531

Color Diagnostics, LLC DBA Color Health
Classification: Uncertain significance for Hereditary cancer-predisposing syndrome. Last evaluated: 2023-11-29. Review status: criteria provided, single submitter. Criteria: ACMG Guidelines, 2015. Collection method: clinical testing. Allele origin: germline.
Comment: This missense variant replaces lysine with glutamic acid at codon 960 of the BRCA2 protein. Computational prediction suggests that this variant may not impact protein structure and function (internally defined REVEL score threshold <= 0.5, PMID: 27666373). To our knowledge, functional studies have not been reported for this variant. This variant has not been reported in individuals affected with BRCA2-related disorders in the literature. This variant has not been identified in the general population by the Genome Aggregation Database (gnomAD). The available evidence is insufficient to determine the role of this variant in disease conclusively. Therefore, this variant is classified as a Variant of Uncertain Significance.

University of Washington Department of Laboratory Medicine, University of Washington
Classification: Likely benign for Hereditary cancer-predisposing syndrome. Last evaluated: 2023-03-23. Review status: criteria provided, single submitter. Criteria: Dines et al. (Genet Med. 2020). Collection method: curation. Allele origin: germline.
Comment: Missense variant in a coldspot region where missense variants are very unlikely to be pathogenic (PMID:31911673).

BRCA2 exon 11 coldspot. Reclassification based on statistical prior probability.

Quest Diagnostics Nichols Institute San Juan Capistrano
Classification: Uncertain significance. Last evaluated: 2018-12-04. Review status: criteria provided, single submitter. Criteria: Quest Diagnostics criteria. Collection method: clinical testing. Allele origin: germline.

Women's Health and Genetics/Laboratory Corporation of America, LabCorp
Classification: Uncertain significance. Last evaluated: 2016-08-15. Review status: criteria provided, single submitter. Criteria: LabCorp Variant Classification Summary - May 2015. Collection method: clinical testing. Allele origin: germline.
Comment: Variant summary: The BRCA2 c.2878A>G (p.Lys960Glu) variant causes a misense change involving a non-conserved nucleotide with 4/4 in silico tools (SNPs&GO not captured due to low reliability index) predicting a benign outcome, although these predictions have yet to be functionally assessed. This variant has not been observed in controls (ExAC, 1000 Gs, or ESP), nor has it been, to our knowledge, reported in affected individuals via publications. Multiple reputable databases/clinical laboratories have cited the variant as "uncertain significance." Because of the absence of clinical information and the lack of functional studies, the variant has been classified as a "Variant of Uncertain Significance (VUS)," until additional information becomes available.

Literature cited by the submitters: PubMed 25085752 (cited by Myriad Genetics, Inc.).